The following is an entry in ClinVar:

NM_000702.4(ATP1A2):c.784C>T (p.Arg262Trp)

Gene: ATP1A2 (ATPase Na+/K+ transporting subunit alpha 2; plus strand). Cytogenetic location: 1q23.2.
Variant type: single nucleotide variant.
Coding change: c.784C>T on transcript NM_000702.4 (MANE Select); coding-DNA position 784, C replaced by T.
Protein change: p.Arg262Trp; replaces arginine 262 with tryptophan.
Molecular consequence: missense variant.
Genome position (GRCh38, 1-based): chr1:160,127,587, C>T. VCF-style: chr1-160127587-C-T. GRCh37 (hg19) VCF-style: chr1-160097377-C-T.
Other names: short protein forms R262W.
Identifiers: ClinVar variation 3000457 (VCV003000457.4), dbSNP rs748084473, ClinGen allele CA1194288.
Genomic context (GRCh38, chr1:160,127,587, plus strand): 5'-AACCTGATGCCCCACCATGTTGCAGGCACTGCCAGGGGCATTGTGATTGCCACAGGAGAC[C>T]GGACGGTGATGGGCCGCATAGCTACTCTCGCCTCAGGCCTGGAGGTTGGGCGGACACCCA-3'
Protein context (NP_000693.1, residues 252-272): ARGIVIATGD[Arg262Trp]TVMGRIATLA

ClinVar aggregate classification (germline): Uncertain significance. Review status: criteria provided, multiple submitters, no conflicts (2 of 4 stars). 2 submissions from 2 submitters: Uncertain significance (2). Last evaluated 2024-05-23.

Conditions:
Familial hemiplegic migraine. Identifiers: MedGen C0338484, MONDO:0000700.

Allele frequency attached by ClinVar (database versions not stated): gnomAD exomes below 0.00001; ExAC 0.00001.

Submissions (2):

Labcorp Genetics (formerly Invitae), Labcorp
Classification: Uncertain significance for Familial hemiplegic migraine. Last evaluated: 2024-05-23. Review status: criteria provided, single submitter. Criteria: Invitae Variant Classification Sherloc (09022015). Collection method: clinical testing. Allele origin: germline.
Comment: This sequence change replaces arginine, which is basic and polar, with tryptophan, which is neutral and slightly polar, at codon 262 of the ATP1A2 protein (p.Arg262Trp). This variant is present in population databases (rs748084473, gnomAD 0.0009%). This variant has not been reported in the literature in individuals affected with ATP1A2-related conditions. Advanced modeling of protein sequence and biophysical properties (such as structural, functional, and spatial information, amino acid conservation, physicochemical variation, residue mobility, and thermodynamic stability) performed at Invitae indicates that this missense variant is expected to disrupt ATP1A2 protein function with a positive predictive value of 80%. In summary, the available evidence is currently insufficient to determine the role of this variant in disease. Therefore, it has been classified as a Variant of Uncertain Significance.

Clinical Genetics Laboratory, Skane University Hospital Lund
Classification: Uncertain significance. Last evaluated: 2023-04-24. Review status: criteria provided, single submitter. Criteria: ACMG Guidelines, 2015. Collection method: clinical testing. Allele origin: germline. Affected: yes.